The following is an entry in ClinVar:

ClinVar aggregate classification (germline): Likely pathogenic (1 of 4 stars; one submission).

Conditions:
Autosomal recessive titinopathy. Identifiers: MedGen CN315649, MONDO:0100493.

gnomAD v4.1: 1 of 1,613,248 alleles (0.000062%); highest among the groups gnomAD compares: East Asian, 0.0022%; no homozygotes.

Submission:

Women's Health and Genetics/Laboratory Corporation of America, LabCorp
Classification: Likely pathogenic for Autosomal recessive titinopathy. Last evaluated: 2026-04-23. Review status: criteria provided, single submitter. Criteria: LabCorp Variant Classification Summary - May 2015. Collection method: clinical testing. Allele origin: germline.
Comment: Variant summary: TTN c.66351C>G (p.Tyr22117X) (also known as NM_001267550:c.74055C>G (p.Tyr24685X)) results in a premature termination codon, predicted to cause a truncation of the encoded protein or absence of the protein due to nonsense mediated decay, which are commonly known mechanisms for disease. Loss of function variants in all TTN bands are strongly associated with a spectrum of autosomal recessive titinopathies when exon expression (proportion spliced in, PSI, 1=complete expression) in skeletal muscle is >0.1 (PMID: 36977548, 39198997, 29598826, 32778822, 29691892, 33449170, 36977548, internal data). In contrast, loss of function variants in all TTN bands are only strongly associated with autosomal dominant TTN-related cardiomyopathies if located in exons constitutively expressed (PSI >0.9) in cardiac muscle, excluding extreme C-terminal exons 359-363 (PMID: 25589632, 31216868, 32964742, 34662387, 27869827, Shetty et al., Nat Cardiovasc Res 2024,, internal data). This variant has a maximum skeletal muscle PSI of 0.97 and a maximum cardiac muscle PSI of 1.0. The variant was absent in 247820 control chromosomes. To our knowledge, no occurrence of c.66351C>G in individuals affected with TTN-related conditions and no experimental evidence demonstrating its impact on protein function have been reported. No submitters have cited clinical-significance assessments for this variant to ClinVar. Based on the evidence outlined above, the variant was classified as likely pathogenic for both autosomal dominant and autosomal recessive TTN-related conditions.

NM_001267550.2(TTN):c.74055C>G (p.Tyr24685Ter)

Genes: TTN (titin; minus strand), TTN-AS1 (TTN antisense RNA 1; plus strand). Cytogenetic location: 2q31.2.
Variant type: single nucleotide variant.
Coding change: c.74055C>G on transcript NM_001267550.2 (MANE Select); coding-DNA position 74055, C replaced by G.
Protein change: p.Tyr24685Ter; replaces tyrosine 24685 with a stop codon.
Molecular consequence: nonsense.
Genome position (GRCh38, 1-based): chr2:178,572,077, G>C on the plus strand (C>G on the coding strand, the complement: TTN is on the minus strand). VCF-style: chr2-178572077-G-C. GRCh37 (hg19) VCF-style: chr2-179436804-G-C.
Other names: c.69132C>G, p.Tyr23044Ter (NM_001256850.1); c.46860C>G, p.Tyr15620Ter (NM_003319.4); c.66351C>G, p.Tyr22117Ter (NM_133378.4); c.47235C>G, p.Tyr15745Ter (NM_133432.3); c.47436C>G, p.Tyr15812Ter (NM_133437.4); short protein forms Y15620*, Y15745*, Y15812*, Y22117*, Y23044*, Y24685*.
Identifiers: ClinVar variation 4849122 (VCV004849122.1).